The following is an entry in ClinVar:

NM_000535.7(PMS2):c.233A>G (p.Glu78Gly)

Gene: PMS2 (PMS1 homolog 2, mismatch repair system component; minus strand). Cytogenetic location: 7p22.1.
Variant type: single nucleotide variant.
Coding change: c.233A>G on transcript NM_000535.7 (MANE Select); coding-DNA position 233, A replaced by G.
Protein change: p.Glu78Gly; replaces glutamic acid 78 with glycine.
Molecular consequence: missense variant. On other transcripts: 5 prime UTR variant (9), synonymous variant (2), non-coding transcript variant (1).
Genome position (GRCh38, 1-based): chr7:6,003,989, T>C on the plus strand (A>G on the coding strand, the complement: PMS2 is on the minus strand). VCF-style: chr7-6003989-T-C. GRCh37 (hg19) VCF-style: chr7-6043620-T-C.
Other names: c.-173A>G (NM_001322003.2, NM_001322004.2, NM_001322005.2 and 3 more transcripts); c.233A>G, p.Glu78Gly (NM_001322006.2, NM_001322014.2); c.18A>G, p.Arg6= (NM_001322007.2, NM_001322008.2); c.-652A>G (NM_001322011.2, NM_001322012.2); c.-252A>G (NM_001322015.2); short protein forms E78G.
Identifiers: ClinVar variation 1432927 (VCV001432927.11), dbSNP rs2128829529, ClinGen allele CA366744785.

ClinVar aggregate classification (germline): Uncertain significance. Review status: criteria provided, multiple submitters, no conflicts (2 of 4 stars). 3 submissions from 3 submitters: Uncertain significance (3). Last evaluated 2025-07-27.

Conditions:
Hereditary nonpolyposis colorectal neoplasms. Identifiers: MedGen C0009405, MeSH D003123.
Hereditary cancer-predisposing syndrome. Also called: Hereditary Cancer Syndrome; Hereditary neoplastic syndrome; Neoplastic Syndromes, Hereditary; Tumor predisposition. Identifiers: Orphanet 140162, MedGen C0027672, MeSH D009386, MONDO:0015356.
Lynch syndrome 4 (LYNCH4). Also called: Colorectal cancer, hereditary nonpolyposis, type 4; Hereditary non-polyposis colorectal cancer, type 4. Identifiers: Orphanet 144, MedGen C1838333, MONDO:0013699, OMIM 614337. Disease mechanism: loss of function.

Allele frequency attached by ClinVar (database versions not stated): gnomAD exomes below 0.00001.
gnomAD v4.1: 1 of 1,601,106 alleles (0.000062%); highest among the groups gnomAD compares: Non-Finnish European, 0.000085%; no homozygotes.

Submissions (3):

Labcorp Genetics (formerly Invitae), Labcorp
Classification: Uncertain significance for Hereditary nonpolyposis colorectal neoplasms. Last evaluated: 2025-07-27. Review status: criteria provided, single submitter. Criteria: Invitae Variant Classification Sherloc (09022015). Collection method: clinical testing. Allele origin: germline.
Comment: This sequence change replaces glutamic acid, which is acidic and polar, with glycine, which is neutral and non-polar, at codon 78 of the PMS2 protein (p.Glu78Gly). This variant is not present in population databases (gnomAD no frequency). This variant has not been reported in the literature in individuals affected with PMS2-related conditions. ClinVar contains an entry for this variant (Variation ID: 1432927). Invitae Evidence Modeling incorporating data from in vitro experimental studies (internal data) indicates that this missense variant is not expected to disrupt PMS2 function with a negative predictive value of 95%. In summary, the available evidence is currently insufficient to determine the role of this variant in disease. Therefore, it has been classified as a Variant of Uncertain Significance.

Baylor Genetics
Classification: Uncertain significance for Lynch syndrome 4. Last evaluated: 2023-10-04. Review status: criteria provided, single submitter. Criteria: ACMG Guidelines, 2015. Collection method: clinical testing. Allele origin: unknown.

Ambry Genetics
Classification: Uncertain significance for Hereditary cancer-predisposing syndrome. Last evaluated: 2022-06-26. Review status: criteria provided, single submitter. Criteria: Ambry Variant Classification Scheme 2023. Collection method: clinical testing. Allele origin: germline.
Comment: The p.E78G variant (also known as c.233A>G), located in coding exon 3 of the PMS2 gene, results from an A to G substitution at nucleotide position 233. The glutamic acid at codon 78 is replaced by glycine, an amino acid with similar properties. This amino acid position is conserved. In addition, this alteration is predicted to be tolerated by in silico analysis. Since supporting evidence is limited at this time, the clinical significance of this alteration remains unclear.